The following is an entry in ClinVar:

ClinVar aggregate classification (germline): Uncertain significance. Review status: criteria provided, multiple submitters, no conflicts (2 of 4 stars). 2 submissions from 2 submitters: Uncertain significance (2). Last evaluated 2025-09-11.

Conditions:
Inborn genetic diseases. Identifiers: MedGen C0950123, MeSH D030342.

Allele frequency attached by ClinVar (database versions not stated): gnomAD 0.00002; gnomAD exomes 0.00002; TOPMed 0.00002; ExAC 0.00003.
gnomAD v4.1: 28 of 1,609,630 alleles (0.0017%); highest among the groups gnomAD compares: African/African-American, 0.004%; no homozygotes.

Submissions (2):

Ambry Genetics
Classification: Uncertain significance for Inborn genetic diseases. Last evaluated: 2025-09-11. Review status: criteria provided, single submitter. Criteria: Ambry Variant Classification Scheme 2023. Collection method: clinical testing. Allele origin: germline.

Labcorp Genetics (formerly Invitae), Labcorp
Classification: Uncertain significance. Last evaluated: 2024-10-24. Review status: criteria provided, single submitter. Criteria: Invitae Variant Classification Sherloc (09022015). Collection method: clinical testing. Allele origin: germline.
Comment: This sequence change replaces arginine, which is basic and polar, with glutamine, which is neutral and polar, at codon 773 of the DHX37 protein (p.Arg773Gln). This variant is present in population databases (rs754858470, gnomAD 0.003%). This variant has not been reported in the literature in individuals affected with DHX37-related conditions. ClinVar contains an entry for this variant (Variation ID: 1973527). Invitae Evidence Modeling of protein sequence and biophysical properties (such as structural, functional, and spatial information, amino acid conservation, physicochemical variation, residue mobility, and thermodynamic stability) indicates that this missense variant is not expected to disrupt DHX37 protein function with a negative predictive value of 80%. In summary, the available evidence is currently insufficient to determine the role of this variant in disease. Therefore, it has been classified as a Variant of Uncertain Significance.

NM_032656.4(DHX37):c.2318G>A (p.Arg773Gln)

Gene: DHX37 (DEAH-box helicase 37; minus strand). Cytogenetic location: 12q24.31.
Variant type: single nucleotide variant.
Coding change: c.2318G>A on transcript NM_032656.4 (MANE Select); coding-DNA position 2318, G replaced by A.
Protein change: p.Arg773Gln; replaces arginine 773 with glutamine.
Molecular consequence: missense variant.
Genome position (GRCh38, 1-based): chr12:124,956,826, C>T on the plus strand (G>A on the coding strand, the complement: DHX37 is on the minus strand). VCF-style: chr12-124956826-C-T. GRCh37 (hg19) VCF-style: chr12-125441372-C-T.
Other names: c.2318G>A (NM_032656.3); short protein forms R773Q.
Identifiers: ClinVar variation 1973527 (VCV001973527.6), dbSNP rs754858470, ClinGen allele CA6871672.